The following is an entry in ClinVar:

NM_020693.4(DSCAML1):c.-117A>G

Gene: DSCAML1 (DS cell adhesion molecule like 1; minus strand). Cytogenetic location: 11q23.3.
Variant type: single nucleotide variant.
Coding change: c.-117A>G on transcript NM_020693.4 (MANE Select); 117 bases upstream of the start codon, A replaced by G.
Molecular consequence: 5 prime UTR variant. On other transcripts: intron variant (1).
Genome position (GRCh38, 1-based): chr11:117,797,196, T>C on the plus strand (A>G on the coding strand, the complement: DSCAML1 is on the minus strand). VCF-style: chr11-117797196-T-C. GRCh37 (hg19) VCF-style: chr11-117667911-T-C.
Other names: c.-117A>G (NM_001367904.1); c.-362-16386A>G (NM_001367905.1).
Identifiers: ClinVar variation 1462447 (VCV001462447.6), dbSNP rs1046606294, ClinGen allele CA382762457.
Genomic context (GRCh38, chr11:117,797,196, plus strand): 5'-CGCCTCTCCCCCGCTCAGCGCGCTCCCAGCCGCCCGCACTCGGCGCCCCGCTCTCTCTGC[T>C]CCTCAGCCCAGCGCTCGGCTGCGGCGGCGGCTCCTCCCTCCTCGGCTCCCCGGCTCCTGT-3'

ClinVar aggregate classification (germline): Uncertain significance (1 of 4 stars; one submission).

Submission:

Labcorp Genetics (formerly Invitae), Labcorp
Classification: Uncertain significance. Last evaluated: 2021-11-13. Review status: criteria provided, single submitter. Criteria: Invitae Variant Classification Sherloc (09022015). Collection method: clinical testing. Allele origin: germline.
Comment: In summary, the available evidence is currently insufficient to determine the role of this variant in disease. Therefore, it has been classified as a Variant of Uncertain Significance. Algorithms developed to predict the effect of missense changes on protein structure and function are either unavailable or do not agree on the potential impact of this missense change (SIFT: "Deleterious"; PolyPhen-2: "Not Available"; Align-GVGD: "Class C0"). This variant has not been reported in the literature in individuals affected with DSCAML1-related conditions. This variant is not present in population databases (gnomAD no frequency). This sequence change replaces serine, which is neutral and polar, with glycine, which is neutral and non-polar, at codon 22 of the DSCAML1 protein (p.Ser22Gly).